The following is an entry in ClinVar:

ClinVar aggregate classification (germline): Uncertain significance (1 of 4 stars; one submission).

Conditions:
Melanoma, cutaneous malignant, susceptibility to, 5. Also called: Cutaneous malignant melanoma 5. Identifiers: Orphanet 618, MedGen C2751295, MONDO:0013133, OMIM 613099.

Allele frequency attached by ClinVar (database versions not stated): gnomAD 0.00001.

Submission:

Labcorp Genetics (formerly Invitae), Labcorp
Classification: Uncertain significance for Melanoma, cutaneous malignant, susceptibility to, 5. Last evaluated: 2022-06-14. Review status: criteria provided, single submitter. Criteria: Invitae Variant Classification Sherloc (09022015). Collection method: clinical testing. Allele origin: germline.
Comment: This sequence change replaces methionine, which is neutral and non-polar, with valine, which is neutral and non-polar, at codon 128 of the MC1R protein (p.Met128Val). This variant is present in population databases (no rsID available, gnomAD 0.01%). This variant has not been reported in the literature in individuals affected with MC1R-related conditions. Algorithms developed to predict the effect of missense changes on protein structure and function (SIFT, PolyPhen-2, Align-GVGD) all suggest that this variant is likely to be tolerated. In summary, the available evidence is currently insufficient to determine the role of this variant in disease. Therefore, it has been classified as a Variant of Uncertain Significance.

NM_002386.4(MC1R):c.382A>G (p.Met128Val)

Gene: MC1R (melanocortin 1 receptor; plus strand). Cytogenetic location: 16q24.3.
Variant type: single nucleotide variant.
Coding change: c.382A>G on transcript NM_002386.4 (MANE Select); coding-DNA position 382, A replaced by G.
Protein change: p.Met128Val; replaces methionine 128 with valine.
Molecular consequence: missense variant.
Genome position (GRCh38, 1-based): chr16:89,919,640, A>G. VCF-style: chr16-89919640-A-G. GRCh37 (hg19) VCF-style: chr16-89986048-A-G.
Other names: short protein forms M128V.
Identifiers: ClinVar variation 2064158 (VCV002064158.4), dbSNP rs1216427920, ClinGen allele CA397460525.